The following is an entry in ClinVar:

ClinVar aggregate classification (germline): Uncertain significance (1 of 4 stars; one submission).

Allele frequency attached by ClinVar (database versions not stated): ExAC 0.00002; gnomAD 0.00003 and 0.00004; gnomAD exomes 0.00003; TOPMed 0.00004.
gnomAD v4.1: 65 of 1,613,624 alleles (0.004%); highest among the groups gnomAD compares: African/African-American, 0.0053%; no homozygotes.

Submission:

Labcorp Genetics (formerly Invitae), Labcorp
Classification: Uncertain significance. Last evaluated: 2022-08-22. Review status: criteria provided, single submitter. Criteria: Invitae Variant Classification Sherloc (09022015). Collection method: clinical testing. Allele origin: germline.
Comment: This sequence change replaces arginine, which is basic and polar, with histidine, which is basic and polar, at codon 311 of the GPAA1 protein (p.Arg311His). This variant is present in population databases (rs781880843, gnomAD 0.006%). This variant has not been reported in the literature in individuals affected with GPAA1-related conditions. ClinVar contains an entry for this variant (Variation ID: 1405925). Algorithms developed to predict the effect of missense changes on protein structure and function are either unavailable or do not agree on the potential impact of this missense change (SIFT: "Tolerated"; PolyPhen-2: "Possibly Damaging"; Align-GVGD: "Class C0"). In summary, the available evidence is currently insufficient to determine the role of this variant in disease. Therefore, it has been classified as a Variant of Uncertain Significance.

NM_003801.4(GPAA1):c.932G>A (p.Arg311His)

Gene: GPAA1 (glycosylphosphatidylinositol anchor attachment 1; plus strand). Cytogenetic location: 8q24.3.
Variant type: single nucleotide variant.
Coding change: c.932G>A on transcript NM_003801.4 (MANE Select); coding-DNA position 932, G replaced by A.
Protein change: p.Arg311His; replaces arginine 311 with histidine.
Molecular consequence: missense variant.
Genome position (GRCh38, 1-based): chr8:144,084,531, G>A. VCF-style: chr8-144084531-G-A. GRCh37 (hg19) VCF-style: chr8-145139434-G-A.
Other names: short protein forms R311H.
Identifiers: ClinVar variation 1405925 (VCV001405925.3), dbSNP rs781880843, ClinGen allele CA4932974.